The following is an entry in ClinVar:

NM_014423.4(AFF4):c.1122C>G (p.His374Gln)

Gene: AFF4 (ALF transcription elongation factor 4; minus strand). Cytogenetic location: 5q31.1.
Variant type: single nucleotide variant.
Coding change: c.1122C>G on transcript NM_014423.4 (MANE Select); coding-DNA position 1122, C replaced by G.
Protein change: p.His374Gln; replaces histidine 374 with glutamine.
Molecular consequence: missense variant.
Genome position (GRCh38, 1-based): chr5:132,902,453, G>C on the plus strand (C>G on the coding strand, the complement: AFF4 is on the minus strand). VCF-style: chr5-132902453-G-C. GRCh37 (hg19) VCF-style: chr5-132238145-G-C.
Other names: short protein forms H374Q.
Identifiers: ClinVar variation 1490737 (VCV001490737.8), dbSNP rs746005385, ClinGen allele CA3409197.
Genomic context (GRCh38, chr5:132,902,453, plus strand): 5'-ACTTTTAGCAAAAATGATAAATATTAAACTCATTAAGCAATAAACTTACGATTTAGACTG[G>C]TGCCCATTTGAAGTTTTAGAAGGATTATATCTTTCTGGAACAAAAAGAATGAAGTGAGCA-3'
Protein context (NP_055238.1, residues 364-384): RYNPSKTSNG[His374Gln]QSKSMLKDDL

ClinVar aggregate classification (germline): Uncertain significance (1 of 4 stars; one submission).

Conditions:
Cognitive impairment - coarse facies - heart defects - obesity - pulmonary involvement - short stature - skeletal dysplasia syndrome. Also called: COGNITIVE IMPAIRMENT, COARSE FACIES, HEART DEFECTS, OBESITY, PULMONARY INVOLVEMENT, SHORT STATURE, AND SKELETAL DYSPLASIA; Chops syndrome; AFF4-Related CHOPS Syndrome. Identifiers: Orphanet 444077, MedGen C4085597, MONDO:0014609, OMIM 616368.

Allele frequency attached by ClinVar (database versions not stated): gnomAD exomes below 0.00001; ExAC 0.00001.
gnomAD v4.1: 3 of 1,608,998 alleles (0.00019%); highest among the groups gnomAD compares: South Asian, 0.0011%; no homozygotes.

Submission:

Labcorp Genetics (formerly Invitae), Labcorp
Classification: Uncertain significance for Cognitive impairment - coarse facies - heart defects - obesity - pulmonary involvement - short stature - skeletal dysplasia syndrome. Last evaluated: 2022-11-28. Review status: criteria provided, single submitter. Criteria: Invitae Variant Classification Sherloc (09022015). Collection method: clinical testing. Allele origin: germline.
Comment: This variant has not been reported in the literature in individuals affected with AFF4-related conditions. In summary, the available evidence is currently insufficient to determine the role of this variant in disease. Therefore, it has been classified as a Variant of Uncertain Significance. Advanced modeling of protein sequence and biophysical properties (such as structural, functional, and spatial information, amino acid conservation, physicochemical variation, residue mobility, and thermodynamic stability) performed at Invitae indicates that this missense variant is not expected to disrupt AFF4 protein function. ClinVar contains an entry for this variant (Variation ID: 1490737). This variant is present in population databases (rs746005385, gnomAD 0.003%). This sequence change replaces histidine, which is basic and polar, with glutamine, which is neutral and polar, at codon 374 of the AFF4 protein (p.His374Gln).